The following is an entry in ClinVar:

ClinVar aggregate classification (germline): Uncertain significance. Review status: criteria provided, multiple submitters, no conflicts (2 of 4 stars). 4 submissions from 4 submitters: Uncertain significance (3). 1 of the submissions does not count toward it. Last evaluated 2022-07-06.

Conditions:
Autosomal recessive limb-girdle muscular dystrophy type 2E (LGMDR4). Also called: MUSCULAR DYSTROPHY, LIMB-GIRDLE, AUTOSOMAL RECESSIVE 4. Identifiers: Orphanet 119, MedGen C1858593, MONDO:0011423, OMIM 604286. Disease mechanism: Affects gamma-sarcoglycan and also disrupts the integrity of the entire sarcoglycan complex..

Submissions (4):

Labcorp Genetics (formerly Invitae), Labcorp
Classification: Uncertain significance for Autosomal recessive limb-girdle muscular dystrophy type 2E. Last evaluated: 2022-07-06. Review status: criteria provided, single submitter. Criteria: Invitae Variant Classification Sherloc (09022015). Collection method: clinical testing. Allele origin: germline.
Comment: This variant, c.18_23dup, results in the insertion of 2 amino acid(s) of the SGCB protein (p.Ala8_Ala9dup), but otherwise preserves the integrity of the reading frame. This variant is not present in population databases (gnomAD no frequency). This variant has not been reported in the literature in individuals affected with SGCB-related conditions. ClinVar contains an entry for this variant (Variation ID: 283457). Experimental studies and prediction algorithms are not available or were not evaluated, and the functional significance of this variant is currently unknown. In summary, the available evidence is currently insufficient to determine the role of this variant in disease. Therefore, it has been classified as a Variant of Uncertain Significance.

GeneDx
Classification: Uncertain significance. Last evaluated: 2022-04-30. Review status: criteria provided, single submitter. Criteria: GeneDx Variant Classification Process June 2021. Collection method: clinical testing. Allele origin: germline. Affected: yes.
Comment: Not observed at significant frequency in large population cohorts (gnomAD); In-frame duplication of 2 amino acids in a repetitive region with no known function; Has not been previously published as pathogenic or benign to our knowledge; This variant is associated with the following publications: (PMID: 30564623)

Eurofins Ntd Llc (ga)
Classification: Uncertain significance. Last evaluated: 2015-09-24. Review status: criteria provided, single submitter. Criteria: EGL Classification Definitions. Collection method: clinical testing. Allele origin: germline. Observed: 1 variant allele, 1 heterozygote.

Natera, Inc.
Classification: Uncertain significance for Limb-girdle muscular dystrophy type 2E. Last evaluated: 2020-01-17. Review status: no assertion criteria provided. Collection method: clinical testing. Allele origin: germline. Not counted in ClinVar's aggregate classification.

NM_000232.5(SGCB):c.12GGC[6] (p.Ala8_Ala9dup)

Genes: SGCB (sarcoglycan beta; minus strand), LOC129992585 (ATAC-STARR-seq lymphoblastoid silent region 15421; plus strand). Cytogenetic location: 4q12.
Variant type: Microsatellite.
Coding change: c.12GGC[6] on transcript NM_000232.5 (MANE Select); six copies in a row of the 3-base unit GGC starting at c.12; the reference has four copies in a row; two copies, 6 bases duplicated; also written c.18_23dup.
Protein change: p.Ala8_Ala9dup.
Molecular consequence: inframe insertion.
Genome position (GRCh38, 1-based): chr4:52,038,237-52,038,242, GCCGCC duplicated on the plus strand (GGCGGC on the coding strand, the reverse complement: SGCB is on the minus strand); duplicating any 6 consecutive bases within chr4:52,038,237-52,038,250 gives the same sequence; the position shown is the placement nearest the transcript's 3' end. VCF-style (leftmost placement, unchanged base first): chr4-52038236-A-AGCCGCC. GRCh37 (hg19) VCF-style: chr4-52904402-A-AGCCGCC.
Other names: c.18_23dup (NM_000232.4, NM_000232.5).
Identifiers: ClinVar variation 283457 (VCV000283457.12), dbSNP rs768838951, ClinGen allele CA10604499.